The following is an entry in ClinVar:

ClinVar aggregate classification (germline): Conflicting classifications of pathogenicity. Review status: criteria provided, conflicting classifications (1 of 4 stars). 5 submissions from 5 submitters: Uncertain significance (1); Benign (1); Likely benign (3). Last evaluated 2026-01-22.

Conditions:
Immunodeficiency 35 (IMD35). Also called: Susceptibility to infection due to TYK2 deficiency; TYK2 DEFICIENCY; HIES WITH ATYPICAL MYCOBACTERIOSIS, AUTOSOMAL RECESSIVE; HYPER-IgE SYNDROME WITH ATYPICAL MYCOBACTERIOSIS, AUTOSOMAL RECESSIVE. Identifiers: Orphanet 331226, MedGen C1969086, MONDO:0012682, OMIM 611521.

Allele frequency attached by ClinVar (database versions not stated): gnomAD 0.00093 and 0.00092; gnomAD exomes 0.00106 and 0.00079; ExAC 0.00128; 1000 Genomes Project 30x 0.00062; 1000 Genomes Project 0.00080; ESP Exome Variant Server 0.00085; TOPMed 0.00085.
gnomAD v4.1: 1,327 of 1,613,144 alleles (0.082%); highest among the groups gnomAD compares: Middle Eastern, 0.53%; 2 homozygotes.

Submissions (5):

Labcorp Genetics (formerly Invitae), Labcorp
Classification: Benign for Immunodeficiency 35. Last evaluated: 2026-01-22. Review status: criteria provided, single submitter. Criteria: Invitae Variant Classification Sherloc (09022015). Collection method: clinical testing. Allele origin: germline.

Blueprint Genetics
Classification: Likely benign. Last evaluated: 2024-11-21. Review status: criteria provided, single submitter. Criteria: ACMG Guidelines, 2015. Collection method: clinical testing. Allele origin: germline.

CeGaT Center for Human Genetics Tuebingen
Classification: Likely benign. Last evaluated: 2022-06-01. Review status: criteria provided, single submitter. Criteria: CeGaT Center For Human Genetics Tuebingen Variant Classification Criteria Version 2. Collection method: clinical testing. Allele origin: germline. Affected: yes. Observed: 1 variant allele.
Comment: TYK2: BP4, BP7

GeneDx
Classification: Likely benign. Last evaluated: 2018-05-30. Review status: criteria provided, single submitter. Criteria: GeneDx Variant Classification Process June 2021. Collection method: clinical testing. Allele origin: germline. Affected: yes.

Illumina Laboratory Services, Illumina
Classification: Uncertain significance for Immunodeficiency 35. Last evaluated: 2018-01-13. Review status: criteria provided, single submitter. Criteria: ICSL Variant Classification Criteria 13 December 2019. Collection method: clinical testing. Allele origin: germline.

NM_003331.5(TYK2):c.2250C>T (p.Gly750=)

Gene: TYK2 (tyrosine kinase 2; minus strand). Cytogenetic location: 19p13.2.
Variant type: single nucleotide variant.
Coding change: c.2250C>T on transcript NM_003331.5 (MANE Select); coding-DNA position 2250, C replaced by T.
Protein change: p.Gly750=; no amino-acid change (glycine 750 retained).
Molecular consequence: synonymous variant.
Genome position (GRCh38, 1-based): chr19:10,358,064, G>A on the plus strand (C>T on the coding strand, the complement: TYK2 is on the minus strand). VCF-style: chr19-10358064-G-A. GRCh37 (hg19) VCF-style: chr19-10468740-G-A.
Other names: c.2250C>T (LRG_121t1).
Identifiers: ClinVar variation 378840 (VCV000378840.43), dbSNP rs138652649, ClinGen allele CA9193135.